The following is an entry in ClinVar:

ClinVar aggregate classification (germline): Likely benign (1 of 4 stars; one submission).

Conditions:
RP1L1-related disorder. Also called: RP1L1-related condition.

Submission:

PreventionGenetics, part of Exact Sciences
Classification: Likely benign for RP1L1-related condition. Last evaluated: 2026-08-11. Review status: criteria provided, single submitter. Criteria: ACMG Guidelines, 2015. Collection method: clinical testing. Allele origin: germline.
Comment: This variant is classified as likely benign based on ACMG/AMP sequence variant interpretation guidelines (Richards et al. 2015 PMID: 25741868, with internal and published modifications).

NM_178857.6(RP1L1):c.3336C>T (p.Ser1112=)

Gene: RP1L1 (RP1 like 1). Cytogenetic location: 8p23.1.
Variant type: single nucleotide variant.
Coding change: c.3336C>T on transcript NM_178857.6 (MANE Select); coding-DNA position 3336, C replaced by T.
Protein change: p.Ser1112=; no amino-acid change (serine 1112 retained).
Molecular consequence: synonymous variant.
Genome position (GRCh38, 1-based): chr8:10,610,762, G>A on the plus strand (C>T on the coding strand, the complement: RP1L1 is on the minus strand). VCF-style: chr8-10610762-G-A. GRCh37 (hg19) VCF-style: chr8-10468272-G-A.
Identifiers: ClinVar variation 4986913 (VCV004986913.1).
Genomic context (GRCh38, chr8:10,610,762, plus strand): 5'-AAGGTCTTCCTCAAATAACTGCAGACTGGCCAGACAAGTAATGAGGGCCCCGGCTGAGCA[G>A]CTGAGCCTCCTGGCCATGGGCCTAGACACTTCGGGCACGCTGCTGGGCCGGCCCTGCTTG-3'
Protein context (NP_849188.4, residues 1102-1122): EVSRPMARRL[Ser1112=]CSAGALITCL